The following is an entry in ClinVar:

ClinVar aggregate classification (germline): Benign. Review status: criteria provided, multiple submitters, no conflicts (2 of 4 stars). 18 submissions from 17 submitters: Benign (14). 4 of the submissions do not count toward it. Last evaluated 2026-02-04.

Conditions:
RYR1-related disorder. Also called: RYR1-related disorders; RYR1-related condition. Identifiers: MedGen CN239331.
Central core myopathy (CMYO1A). Also called: CONGENITAL MYOPATHY 1A, AUTOSOMAL DOMINANT, WITH SUSCEPTIBILITY TO MALIGNANT HYPERTHERMIA; Central core disease; Myopathy, central fibrillar. Identifiers: Orphanet 597, MedGen C5830701, MONDO:0007294, OMIM 117000.
Malignant hyperthermia, susceptibility to, 1 (MHS1). Also called: Anesthesia related hyperthermia; Malignant hyperpyrexia; Fulminating hyperpyrexia; Pharmacogenic myopathy; Malignant hyperthermia suceptibility 1; RYR1-Related Malignant Hyperthermia Susceptibility. Identifiers: Orphanet 423, MedGen C2930980, MONDO:0007783, OMIM 145600.
King Denborough syndrome (KDS). Identifiers: MedGen C1840365, MONDO:0020485, OMIM 619542.
Congenital multicore myopathy with external ophthalmoplegia (CMYO1B). Also called: Minicore myopathy with external ophthalmoplegia; MULTIMINICORE DISEASE WITH EXTERNAL OPHTHALMOPLEGIA; MULTICORE MYOPATHY; Congenital myopathy 1B, autosomal recessive; Minicore myopathy. Identifiers: Orphanet 598, Orphanet 98905, MedGen C1850674, MONDO:0009712, OMIM 255320, HP:0003789.
Congenital myopathy with fiber type disproportion. Also called: Congenital fiber-type disproportion myopathy; Congenital fiber-type disproportion. Identifiers: Orphanet 2020, MedGen C0546264, MONDO:0009711. Inheritance: all.

Allele frequency attached by ClinVar (database versions not stated): 1000 Genomes Project 0.02336; 1000 Genomes Project 30x 0.02405; ESP Exome Variant Server 0.02914; gnomAD 0.03006 and 0.03031; ExAC 0.03271; TOPMed 0.03362; gnomAD exomes 0.03503 and 0.03593.
gnomAD v4.1: 56,939 of 1,614,042 alleles (3.5%); highest among the groups gnomAD compares: Admixed American, 7.4%; 1,230 homozygotes.

Submissions (18):

Labcorp Genetics (formerly Invitae), Labcorp
Classification: Benign for RYR1-related disorder. Last evaluated: 2026-02-04. Review status: criteria provided, single submitter. Criteria: Invitae Variant Classification Sherloc (09022015). Collection method: clinical testing. Allele origin: germline.

Blueprint Genetics
Classification: Benign. Last evaluated: 2024-11-27. Review status: criteria provided, single submitter. Criteria: ACMG Guidelines, 2015. Collection method: clinical testing. Allele origin: germline.

Athena Diagnostics
Classification: Benign. Last evaluated: 2023-10-27. Review status: criteria provided, single submitter. Criteria: Athena Diagnostics Criteria. Collection method: clinical testing. Allele origin: unknown.

Fulgent Genetics
Classification: Benign for Central core myopathy; Malignant hyperthermia, susceptibility to, 1; Congenital myopathy 4A, autosomal dominant; Congenital multicore myopathy with external ophthalmoplegia; King Denborough syndrome. Last evaluated: 2021-08-18. Review status: criteria provided, single submitter. Criteria: ACMG Guidelines, 2015. Collection method: clinical testing. Allele origin: unknown.

Color Diagnostics, LLC DBA Color Health
Classification: Benign for Malignant hyperthermia, susceptibility to, 1. Last evaluated: 2019-03-29. Review status: criteria provided, single submitter. Criteria: ACMG Guidelines, 2015. Collection method: clinical testing. Allele origin: germline.

PreventionGenetics, part of Exact Sciences
Classification: Benign. Last evaluated: 2018-04-10. Review status: criteria provided, single submitter. Criteria: ACMG Guidelines, 2015. Collection method: clinical testing. Allele origin: germline.

Mayo Clinic Laboratories, Mayo Clinic
Classification: Benign. Last evaluated: 2018-02-07. Review status: criteria provided, single submitter. Criteria: ACMG Guidelines, 2015. Collection method: clinical testing. Allele origin: germline. Observed: 61 variant alleles.

Illumina Laboratory Services, Illumina
Classification: Benign for Malignant hyperthermia, susceptibility to, 1. Last evaluated: 2018-01-13. Review status: criteria provided, single submitter. Criteria: ICSL Variant Classification Criteria 13 December 2019. Collection method: clinical testing. Allele origin: germline.
Comment: This variant was observed in the ICSL laboratory as part of a predisposition screen in an ostensibly healthy population. It had not been previously curated by ICSL or reported in the Human Gene Mutation Database (HGMD: prior to June 1st, 2018), and was therefore a candidate for classification through an automated scoring system. Utilizing variant allele frequency, disease prevalence and penetrance estimates, and inheritance mode, an automated score was calculated to assess if this variant is too frequent to cause the disease. Based on the score and internal cut-off values, a variant classified as benign is not then subjected to further curation. The score for this variant resulted in a classification of benign for this disease.

Illumina Laboratory Services, Illumina
Classification: Benign for Congenital multicore myopathy with external ophthalmoplegia. Last evaluated: 2018-01-13. Review status: criteria provided, single submitter. Criteria: ICSL Variant Classification Criteria 13 December 2019. Collection method: clinical testing. Allele origin: germline.
Comment: the same text as in the submission from Illumina Laboratory Services, Illumina above.

GeneDx
Classification: Benign. Last evaluated: 2015-06-22. Review status: criteria provided, single submitter. Criteria: GeneDx Variant Classification (06012015). Collection method: clinical testing. Allele origin: germline. Affected: yes.
Comment: This variant is considered likely benign or benign based on one or more of the following criteria: it is a conservative change, it occurs at a poorly conserved position in the protein, it is predicted to be benign by multiple in silico algorithms, and/or has population frequency not consistent with disease.

Laboratory for Molecular Medicine, Mass General Brigham Personalized Medicine
Classification: Benign. Last evaluated: 2015-01-13. Review status: criteria provided, single submitter. Criteria: LMM Criteria. Collection method: clinical testing. Allele origin: germline. Observed: 9 variant alleles.
Comment: p.His2420His in exon 45 of RYR1: This variant is not expected to have clinical s ignificance because it does not alter an amino acid residue and is not located w ithin the splice consensus sequence. It has been identified in 3.3% (287/8600) o f European American chromosomes from a broad population by the NHLBI Exome Seque ncing Project (dbSNP rs12973632).

Eurofins Ntd Llc (ga)
Classification: Benign. Last evaluated: 2014-02-17. Review status: criteria provided, single submitter. Criteria: EGL Classification Definitions 2015. Collection method: clinical testing. Allele origin: germline. Observed: 2 variant alleles, 2 heterozygotes.

Genetic Services Laboratory, University of Chicago
Classification: Benign. Last evaluated: 2013-02-08. Review status: criteria provided, single submitter. Criteria: ACMG Guidelines, 2007. Collection method: clinical testing. Allele origin: germline. Inheritance: Autosomal unknown.

Breakthrough Genomics
Classification: Benign. Review status: criteria provided, single submitter. Criteria: ACMG Guidelines, 2015. Collection method: not provided. Allele origin: germline. Inheritance: Autosomal recessive inheritance. Affected: yes.

Clinical Genetics, Academic Medical Center
Classification: Benign. Review status: no assertion criteria provided. Collection method: clinical testing. Allele origin: germline. Affected: yes. Study: VKGL Data-share Consensus. Not counted in ClinVar's aggregate classification.

Joint Genome Diagnostic Labs from Nijmegen and Maastricht, Radboudumc and MUMC+
Classification: Benign. Review status: no assertion criteria provided. Collection method: clinical testing. Allele origin: germline. Affected: yes. Study: VKGL Data-share Consensus. Not counted in ClinVar's aggregate classification.

Laboratory of Diagnostic Genome Analysis, Leiden University Medical Center (LUMC)
Classification: Likely benign. Review status: no assertion criteria provided. Collection method: clinical testing. Allele origin: germline. Affected: yes. Study: VKGL Data-share Consensus. Not counted in ClinVar's aggregate classification.

RYR1 database
No classification provided. Review status: no classification provided. Collection method: not provided. Allele origin: unknown. Not counted in ClinVar's aggregate classification.

NM_000540.3(RYR1):c.7260C>T (p.His2420=)

Gene: RYR1 (ryanodine receptor 1; plus strand). Cytogenetic location: 19q13.2.
Variant type: single nucleotide variant.
Coding change: c.7260C>T on transcript NM_000540.3 (MANE Select); coding-DNA position 7260, C replaced by T.
Protein change: p.His2420=; no amino-acid change (histidine 2420 retained).
Molecular consequence: synonymous variant.
Genome position (GRCh38, 1-based): chr19:38,499,953, C>T. VCF-style: chr19-38499953-C-T. GRCh37 (hg19) VCF-style: chr19-38990593-C-T.
Other names: p.His2420=; c.7260C>T, p.His2420= (NM_001042723.2).
Identifiers: ClinVar variation 133191 (VCV000133191.38), dbSNP rs12973632, ClinGen allele CA024725.